The following is an entry in ClinVar:

ClinVar aggregate classification (germline): Pathogenic (1 of 4 stars; one submission).

Conditions:
Deficiency of aromatic-L-amino-acid decarboxylase. Also called: AADC DEFICIENCY; DDC DEFICIENCY; DOPA DECARBOXYLASE DEFICIENCY; Aromatic amino acid decarboxylase deficiency; Aromatic L-Amino Acid Decarboxylase Deficiency. Identifiers: Orphanet 35708, MedGen C1291564, MONDO:0012084, OMIM 608643.

Submission:

Labcorp Genetics (formerly Invitae), Labcorp
Classification: Pathogenic for Deficiency of aromatic-L-amino-acid decarboxylase. Last evaluated: 2024-01-02. Review status: criteria provided, single submitter. Criteria: Invitae Variant Classification Sherloc (09022015). Collection method: clinical testing. Allele origin: germline.
Comment: This sequence change creates a premature translational stop signal (p.Gln190*) in the DDC gene. It is expected to result in an absent or disrupted protein product. Loss-of-function variants in DDC are known to be pathogenic (PMID: 15079002, 24788355). This variant is not present in population databases (gnomAD no frequency). This variant has not been reported in the literature in individuals affected with DDC-related conditions. ClinVar contains an entry for this variant (Variation ID: 1433147). For these reasons, this variant has been classified as Pathogenic.

Literature cited by the submitters: PubMed 15079002; PubMed 24788355.

NM_001082971.2(DDC):c.568C>T (p.Gln190Ter)

Gene: DDC (dopa decarboxylase; minus strand). Cytogenetic location: 7p12.1.
Variant type: single nucleotide variant.
Coding change: c.568C>T on transcript NM_001082971.2 (MANE Select); coding-DNA position 568, C replaced by T.
Protein change: p.Gln190Ter; replaces glutamine 190 with a stop codon.
Molecular consequence: nonsense. On other transcripts: intron variant (1).
Genome position (GRCh38, 1-based): chr7:50,529,210, G>A on the plus strand (C>T on the coding strand, the complement: DDC is on the minus strand). VCF-style: chr7-50529210-G-A. GRCh37 (hg19) VCF-style: chr7-50596908-G-A.
Other names: c.568C>T, p.Gln190Ter (NM_000790.4, NM_001242887.2, NM_001242890.2); c.454C>T, p.Gln152Ter (NM_001242886.2); c.334C>T, p.Gln112Ter (NM_001242888.2); c.435+8650C>T (NM_001242889.2); short protein forms Q152*, Q112*, Q190*.
Identifiers: ClinVar variation 1433147 (VCV001433147.6), dbSNP rs2153545926, ClinGen allele CA367526603.